The following is an entry in ClinVar:

NM_001267550.2(TTN):c.6584A>G (p.Glu2195Gly)

Gene: TTN (titin; minus strand). Cytogenetic location: 2q31.2.
Variant type: single nucleotide variant.
Coding change: c.6584A>G on transcript NM_001267550.2 (MANE Select); coding-DNA position 6584, A replaced by G.
Protein change: p.Glu2195Gly; replaces glutamic acid 2195 with glycine.
Molecular consequence: missense variant.
Genome position (GRCh38, 1-based): chr2:178,775,127, T>C on the plus strand (A>G on the coding strand, the complement: TTN is on the minus strand). VCF-style: chr2-178775127-T-C. GRCh37 (hg19) VCF-style: chr2-179639854-T-C.
Other names: c.6584A>G, p.Glu2195Gly (NM_133378.4, NM_001256850.1, NM_133379.5); c.6446A>G, p.Glu2149Gly (NM_003319.4, NM_133432.3, NM_133437.4); short protein forms E2195G, E2149G.
Identifiers: ClinVar variation 192076 (VCV000192076.39), dbSNP rs202032875, ClinGen allele CA238259.

ClinVar aggregate classification (germline): Conflicting classifications of pathogenicity. Review status: criteria provided, conflicting classifications (1 of 4 stars). 18 submissions from 14 submitters: Uncertain significance (9); Benign (2); Likely benign (4). 3 of the submissions do not count toward it. Last evaluated 2026-02-01.

Conditions:
Cardiovascular phenotype. Identifiers: MedGen CN230736.
TTN-related disorder. Also called: TTN-related condition; TTN-related disease; TTN-related disorders.
Dilated cardiomyopathy 1G (CMD1G). Identifiers: Orphanet 154, MedGen C1858763, MONDO:0011400, OMIM 604145.
Autosomal recessive limb-girdle muscular dystrophy type 2J (LGMDR10). Also called: Limb-girdle muscular dystrophy, type 2J; MUSCULAR DYSTROPHY, LIMB-GIRDLE, AUTOSOMAL RECESSIVE 10. Identifiers: Orphanet 140922, MedGen C1837342, MONDO:0012127, OMIM 608807.
Myopathy, myofibrillar, 9, with early respiratory failure (MFM9). Also called: EDSTROM MYOPATHY; MYOPATHY, PROXIMAL, WITH EARLY RESPIRATORY MUSCLE INVOLVEMENT; Hereditary myopathy with early respiratory failure; Myopathy, distal, with early respiratory failure, autosomal dominant. Identifiers: Orphanet 178464, Orphanet 34521, MedGen C1863599, MONDO:0011362, OMIM 603689.
Tibial muscular dystrophy (TMD). Also called: Udd Distal Myopathy – Tibial Muscular Dystrophy; Tibial muscular dystrophy, tardive; UDD MYOPATHY. Identifiers: Orphanet 609, MedGen C1838244, MONDO:0010870, OMIM 600334.
Early-onset myopathy with fatal cardiomyopathy (CMYO5). Also called: CONGENITAL MYOPATHY 5 WITH CARDIOMYOPATHY; Salih Myopathy. Identifiers: Orphanet 289377, MedGen C2673677, MONDO:0012714, OMIM 611705. Disease mechanism: loss of function.

Allele frequency attached by ClinVar (database versions not stated): TOPMed 0.00012; gnomAD exomes 0.00019 and 0.00028; ExAC 0.00021; gnomAD 0.00021 and 0.00023; ESP Exome Variant Server 0.00038.
gnomAD v4.1: 431 of 1,613,920 alleles (0.027%); highest among the groups gnomAD compares: Non-Finnish European, 0.034%; no homozygotes.

Submissions (18):

CeGaT Center for Human Genetics Tuebingen
Classification: Uncertain significance. Last evaluated: 2026-02-01. Review status: criteria provided, single submitter. Criteria: CeGaT Center For Human Genetics Tuebingen Variant Classification Criteria Version 2. Collection method: clinical testing. Allele origin: germline. Affected: yes. Observed: 1 variant allele.

PreventionGenetics, part of Exact Sciences
Classification: Likely benign for TTN-related condition. Last evaluated: 2025-06-05. Review status: criteria provided, single submitter. Criteria: ACMG Guidelines, 2015. Collection method: clinical testing. Allele origin: germline.
Comment: This variant is classified as likely benign based on ACMG/AMP sequence variant interpretation guidelines (Richards et al. 2015 PMID: 25741868, with internal and published modifications).

Molecular Diagnostic Laboratory for Inherited Cardiovascular Disease, Montreal Heart Institute
Classification: Likely benign. Last evaluated: 2025-04-09. Review status: criteria provided, single submitter. Criteria: ACMG Guidelines, 2015. Collection method: clinical testing. Allele origin: germline. Affected: no.

Blueprint Genetics
Classification: Likely benign. Last evaluated: 2024-11-05. Review status: criteria provided, single submitter. Criteria: ACMG Guidelines, 2015. Collection method: clinical testing. Allele origin: germline.

Revvity Omics, Revvity
Classification: Uncertain significance. Last evaluated: 2024-10-18. Review status: criteria provided, single submitter. Criteria: ACMG Guidelines, 2015. Collection method: clinical testing. Allele origin: germline.

Ambry Genetics
Classification: Uncertain significance for Cardiovascular phenotype. Last evaluated: 2019-12-06. Review status: criteria provided, single submitter. Criteria: Ambry Variant Classification Scheme 2023. Collection method: clinical testing. Allele origin: germline.
Comment: The p.E2149G variant (also known as c.6446A>G), located in coding exon 27 of the TTN gene, results from an A to G substitution at nucleotide position 6446. The glutamic acid at codon 2149 is replaced by glycine, an amino acid with similar properties. This amino acid position is highly conserved in available vertebrate species. In addition, the in silico prediction for this alteration is inconclusive. Since supporting evidence is limited at this time, the clinical significance of this alteration remains unclear.

GeneDx
Classification: Likely benign. Last evaluated: 2018-12-12. Review status: criteria provided, single submitter. Criteria: GeneDx Variant Classification Process June 2021. Collection method: clinical testing. Allele origin: germline. Affected: yes.
Comment: This variant is associated with the following publications: (PMID: 23861362)

Eurofins Ntd Llc (ga)
Classification: Uncertain significance. Last evaluated: 2018-06-21. Review status: criteria provided, single submitter. Criteria: EGL ClinVar v180209 classification definitions. Collection method: clinical testing. Allele origin: germline. Observed: 3 variant alleles, 3 heterozygotes.

Illumina Laboratory Services, Illumina
Classification: Uncertain significance for Dilated cardiomyopathy 1G. Last evaluated: 2018-01-13. Review status: criteria provided, single submitter. Criteria: ICSL Variant Classification Criteria 13 December 2019. Collection method: clinical testing. Allele origin: germline.

Illumina Laboratory Services, Illumina
Classification: Benign for Myopathy, myofibrillar, 9, with early respiratory failure. Last evaluated: 2018-01-13. Review status: criteria provided, single submitter. Criteria: ICSL Variant Classification Criteria 13 December 2019. Collection method: clinical testing. Allele origin: germline.
Comment: This variant was observed in the ICSL laboratory as part of a predisposition screen in an ostensibly healthy population. It had not been previously curated by ICSL or reported in the Human Gene Mutation Database (HGMD: prior to June 1st, 2018), and was therefore a candidate for classification through an automated scoring system. Utilizing variant allele frequency, disease prevalence and penetrance estimates, and inheritance mode, an automated score was calculated to assess if this variant is too frequent to cause the disease. Based on the score and internal cut-off values, a variant classified as benign is not then subjected to further curation. The score for this variant resulted in a classification of benign for this disease.

Illumina Laboratory Services, Illumina
Classification: Benign for Tibial muscular dystrophy. Last evaluated: 2018-01-13. Review status: criteria provided, single submitter. Criteria: ICSL Variant Classification Criteria 13 December 2019. Collection method: clinical testing. Allele origin: germline.
Comment: the same text as in the submission from Illumina Laboratory Services, Illumina above.

Illumina Laboratory Services, Illumina
Classification: Uncertain significance for Autosomal recessive limb-girdle muscular dystrophy type 2J. Last evaluated: 2018-01-13. Review status: criteria provided, single submitter. Criteria: ICSL Variant Classification Criteria 13 December 2019. Collection method: clinical testing. Allele origin: germline.

Illumina Laboratory Services, Illumina
Classification: Uncertain significance for Early-onset myopathy with fatal cardiomyopathy. Last evaluated: 2018-01-13. Review status: criteria provided, single submitter. Criteria: ICSL Variant Classification Criteria 13 December 2019. Collection method: clinical testing. Allele origin: germline.

Labcorp Genetics (formerly Invitae), Labcorp
Classification: Uncertain significance for Dilated cardiomyopathy 1G; Autosomal recessive limb-girdle muscular dystrophy type 2J. Last evaluated: 2017-10-17. Review status: criteria provided, single submitter. Criteria: Invitae Variant Classification Sherloc (09022015). Collection method: clinical testing. Allele origin: germline.

Biesecker Lab/Clinical Genomics Section, National Institutes of Health
Classification: Uncertain significance. Last evaluated: 2013-06-24. Review status: criteria provided, single submitter. Criteria: Ng et al. (Circ Cardiovasc Genet. 2013). Collection method: research. Allele origin: unknown. Observed: 1 variant allele. Study: ClinSeq.
Comment: The study set was not selected for affection status in relation to any cancer. Pathogenicity categories were based on literature curation. See Pubmed ID:23861362 for details.

Medical sequencing

Clinical Genetics DNA and cytogenetics Diagnostics Lab, Erasmus MC, Erasmus Medical Center
Classification: Likely benign. Review status: no assertion criteria provided. Collection method: clinical testing. Allele origin: germline. Affected: yes. Study: VKGL Data-share Consensus. Not counted in ClinVar's aggregate classification.

Genome Diagnostics Laboratory, University Medical Center Utrecht
Classification: Likely benign. Review status: no assertion criteria provided. Collection method: clinical testing. Allele origin: germline. Affected: yes. Study: VKGL Data-share Consensus. Not counted in ClinVar's aggregate classification.

Joint Genome Diagnostic Labs from Nijmegen and Maastricht, Radboudumc and MUMC+
Classification: Likely benign. Review status: no assertion criteria provided. Collection method: clinical testing. Allele origin: germline. Affected: yes. Study: VKGL Data-share Consensus. Not counted in ClinVar's aggregate classification.